The following is an entry in ClinVar:

ClinVar aggregate classification (germline): Uncertain significance. Review status: criteria provided, multiple submitters, no conflicts (2 of 4 stars). 4 submissions from 4 submitters: Uncertain significance (4). Last evaluated 2025-01-26.

Conditions:
Familial thoracic aortic aneurysm and aortic dissection (TAAD). Also called: Thoracic aortic aneurysms and dissections. Identifiers: Orphanet 91387, MedGen C4707243, MONDO:0019625.
Congenital contractural arachnodactyly (CCA). Also called: BEALS SYNDROME; Beals-Hecht syndrome; Arthrogryposis, distal, type 9. Identifiers: Orphanet 115, MedGen C0220668, MONDO:0007363, OMIM 121050.

Allele frequency attached by ClinVar (database versions not stated): TOPMed below 0.00001; gnomAD exomes 0.00001.
gnomAD v4.1: 10 of 1,612,748 alleles (0.00062%); highest among the groups gnomAD compares: East Asian, 0.0022%; no homozygotes.

Submissions (4):

Labcorp Genetics (formerly Invitae), Labcorp
Classification: Uncertain significance for Congenital contractural arachnodactyly. Last evaluated: 2025-01-26. Review status: criteria provided, single submitter. Criteria: Invitae Variant Classification Sherloc (09022015). Collection method: clinical testing. Allele origin: germline.
Comment: This sequence change replaces arginine, which is basic and polar, with histidine, which is basic and polar, at codon 999 of the FBN2 protein (p.Arg999His). This variant is not present in population databases (gnomAD no frequency). This variant has not been reported in the literature in individuals affected with FBN2-related conditions. ClinVar contains an entry for this variant (Variation ID: 519806). Invitae Evidence Modeling of protein sequence and biophysical properties (such as structural, functional, and spatial information, amino acid conservation, physicochemical variation, residue mobility, and thermodynamic stability) indicates that this missense variant is expected to disrupt FBN2 protein function with a positive predictive value of 80%. In summary, the available evidence is currently insufficient to determine the role of this variant in disease. Therefore, it has been classified as a Variant of Uncertain Significance.

ARUP Laboratories, Molecular Genetics and Genomics, ARUP Laboratories
Classification: Uncertain significance. Last evaluated: 2021-10-23. Review status: criteria provided, single submitter. Criteria: ARUP Molecular Germline Variant Investigation Process 2021. Collection method: clinical testing. Allele origin: germline.
Comment: The FBN2 c.2996G>A; p.Arg999His variant (rs1342942240), to our knowledge, is not reported in the medical literature but is reported in ClinVar (Variation ID: 519806). This variant is absent from general population databases (Exome Variant Server, Genome Aggregation Database), indicating it is not a common polymorphism. The arginine at codon 999 is moderately conserved, and computational analyses predict that this variant is deleterious (REVEL: 0.862). However, due to limited information, the clinical significance of the p.Arg999His variant is uncertain at this time.

Mayo Clinic Laboratories, Mayo Clinic
Classification: Uncertain significance. Last evaluated: 2020-02-19. Review status: criteria provided, single submitter. Criteria: ACMG Guidelines, 2015. Collection method: clinical testing. Allele origin: germline. Observed: 1 variant allele.

Ambry Genetics
Classification: Uncertain significance for Familial thoracic aortic aneurysm and aortic dissection. Last evaluated: 2016-01-04. Review status: criteria provided, single submitter. Criteria: Ambry Variant Classification Scheme 2023. Collection method: clinical testing. Allele origin: germline.
Comment: The p.R999H variant (also known as c.2996G>A), located in coding exon 24 of the FBN2 gene, results from a G to A substitution at nucleotide position 2996. The arginine at codon 999 is replaced by histidine, an amino acid with highly similar properties. This variant was not reported in population based cohorts in the following databases: Database of Single Nucleotide Polymorphisms (dbSNP), NHLBI Exome Sequencing Project (ESP), and 1000 Genomes Project. In the ESP, this variant was not observed in 6503 samples (13006 alleles) with coverage at this position. This amino acid position is highly conserved in available vertebrate species. In addition, this alteration is predicted to be deleterious by in silico analysis. Since supporting evidence is limited at this time, the clinical significance of this variant remains unclear.

NM_001999.4(FBN2):c.2996G>A (p.Arg999His)

Genes: FBN2 (fibrillin 2; minus strand), LOC126807501 (BRD4-independent group 4 enhancer GRCh37_chr5:127680731-127681930; plus strand). Cytogenetic location: 5q23.3.
Variant type: single nucleotide variant.
Coding change: c.2996G>A on transcript NM_001999.4 (MANE Select); coding-DNA position 2996, G replaced by A.
Protein change: p.Arg999His; replaces arginine 999 with histidine.
Molecular consequence: missense variant.
Genome position (GRCh38, 1-based): chr5:128,345,578, C>T on the plus strand (G>A on the coding strand, the complement: FBN2 is on the minus strand). VCF-style: chr5-128345578-C-T. GRCh37 (hg19) VCF-style: chr5-127681270-C-T.
Other names: short protein forms R999H.
Identifiers: ClinVar variation 519806 (VCV000519806.26), dbSNP rs1342942240, ClinGen allele CA360764398.